The following is an entry in ClinVar:

ClinVar aggregate classification (germline): Pathogenic (1 of 4 stars; one submission).

Conditions:
Primary ciliary dyskinesia. Also called: Ciliary dyskinesia. Identifiers: Orphanet 244, MedGen C0008780, MONDO:0016575, HP:0012265.

Submission:

Labcorp Genetics (formerly Invitae), Labcorp
Classification: Pathogenic for Primary ciliary dyskinesia. Last evaluated: 2022-10-04. Review status: criteria provided, single submitter. Criteria: Invitae Variant Classification Sherloc (09022015). Collection method: clinical testing. Allele origin: germline.
Comment: For these reasons, this variant has been classified as Pathogenic. This variant has not been reported in the literature in individuals affected with RSPH1-related conditions. This variant is a gross deletion of the genomic region encompassing exon(s) 1-3 of the RSPH1 gene, which includes the initiator codon. This deletion extends beyond the assayed region for this gene and therefore may encompass additional genes. It is expected to result in an absent or disrupted protein product. Loss-of-function variants in RSPH1 are known to be pathogenic (PMID: 23993197).

Literature cited by the submitters: PubMed 23993197.

NC_000021.8:g.(?_43912848)_(43916296_?)del

Gene: RSPH1 (radial spoke head component 1; minus strand). Cytogenetic location: 21q22.3.
Variant type: Deletion.
Identifiers: ClinVar variation 2427187 (VCV002427187.12).